The following is an entry in ClinVar:

NM_024580.6(EFL1):c.3153A>T (p.Gln1051His)

Gene: EFL1 (elongation factor like GTPase 1; minus strand). Cytogenetic location: 15q25.2.
Variant type: single nucleotide variant.
Coding change: c.3153A>T on transcript NM_024580.6 (MANE Select); coding-DNA position 3153, A replaced by T.
Protein change: p.Gln1051His; replaces glutamine 1051 with histidine.
Molecular consequence: missense variant. On other transcripts: non-coding transcript variant (1).
Genome position (GRCh38, 1-based): chr15:82,138,679, T>A on the plus strand (A>T on the coding strand, the complement: EFL1 is on the minus strand). VCF-style: chr15-82138679-T-A. GRCh37 (hg19) VCF-style: chr15-82431020-T-A.
Other names: c.3000A>T, p.Gln1000His (NM_001040610.3); c.2364A>T, p.Gln788His (NM_001322844.2); c.3153A>T, p.Gln1051His (NM_001322845.2); short protein forms Q1051H, Q1000H, Q788H.
Identifiers: ClinVar variation 1518255 (VCV001518255.6), dbSNP rs779505479, ClinGen allele CA7697625.

ClinVar aggregate classification (germline): Uncertain significance. Review status: criteria provided, multiple submitters, no conflicts (2 of 4 stars). 2 submissions from 2 submitters: Uncertain significance (2). Last evaluated 2022-03-10.

Allele frequency attached by ClinVar (database versions not stated): ExAC 0.00001; TOPMed 0.00002; gnomAD 0.00004.
gnomAD v4.1: 95 of 1,613,734 alleles (0.0059%); highest among the groups gnomAD compares: Non-Finnish European, 0.008%; no homozygotes.

Submissions (2):

Blueprint Genetics
Classification: Uncertain significance. Last evaluated: 2022-03-10. Review status: criteria provided, single submitter. Criteria: ACMG Guidelines, 2015. Collection method: clinical testing. Allele origin: germline.

Labcorp Genetics (formerly Invitae), Labcorp
Classification: Uncertain significance. Last evaluated: 2021-08-24. Review status: criteria provided, single submitter. Criteria: Invitae Variant Classification Sherloc (09022015). Collection method: clinical testing. Allele origin: germline.
Comment: This sequence change replaces glutamine with histidine at codon 1051 of the EFL1 protein (p.Gln1051His). The glutamine residue is highly conserved and there is a small physicochemical difference between glutamine and histidine. This variant is present in population databases (rs779505479, ExAC 0.002%). This variant has not been reported in the literature in individuals affected with EFL1-related conditions. Algorithms developed to predict the effect of missense changes on protein structure and function are either unavailable or do not agree on the potential impact of this missense change (SIFT: "Deleterious"; PolyPhen-2: "Not Available"; Align-GVGD: "Class C15"). In summary, the available evidence is currently insufficient to determine the role of this variant in disease. Therefore, it has been classified as a Variant of Uncertain Significance.